The following is an entry in ClinVar:

NM_172107.4(KCNQ2):c.1499G>A (p.Gly500Asp)

Gene: KCNQ2 (potassium voltage-gated channel subfamily Q member 2; minus strand). Cytogenetic location: 20q13.33.
Variant type: single nucleotide variant.
Coding change: c.1499G>A on transcript NM_172107.4 (MANE Select); coding-DNA position 1499, G replaced by A.
Protein change: p.Gly500Asp; replaces glycine 500 with aspartic acid.
Molecular consequence: missense variant.
Genome position (GRCh38, 1-based): chr20:63,414,929, C>T on the plus strand (G>A on the coding strand, the complement: KCNQ2 is on the minus strand). VCF-style: chr20-63414929-C-T. GRCh37 (hg19) VCF-style: chr20-62046282-C-T.
Other names: c.1445G>A, p.Gly482Asp (NM_001382235.1, NM_172106.3); c.1415G>A, p.Gly472Asp (NM_004518.6); c.1409G>A, p.Gly470Asp (NM_172108.5); short protein forms G470D, G500D, G472D, G482D.
Identifiers: ClinVar variation 2099108 (VCV002099108.4), dbSNP rs2516185709, ClinGen allele CA409646186.

ClinVar aggregate classification (germline): Uncertain significance (1 of 4 stars; one submission).

Conditions:
Early-infantile DEE. Also called: Early infantile epileptic encephalopathy; Early infantile epileptic encephalopathy with suppression bursts; Ohtahara syndrome. Identifiers: Orphanet 1934, MedGen C0393706, MONDO:0800491.

Submission:

Labcorp Genetics (formerly Invitae), Labcorp
Classification: Uncertain significance for Early-infantile DEE. Last evaluated: 2022-02-19. Review status: criteria provided, single submitter. Criteria: Invitae Variant Classification Sherloc (09022015). Collection method: clinical testing. Allele origin: germline.
Comment: In summary, the available evidence is currently insufficient to determine the role of this variant in disease. Therefore, it has been classified as a Variant of Uncertain Significance. Advanced modeling of protein sequence and biophysical properties (such as structural, functional, and spatial information, amino acid conservation, physicochemical variation, residue mobility, and thermodynamic stability) performed at Invitae indicates that this missense variant is expected to disrupt KCNQ2 protein function. This variant has not been reported in the literature in individuals affected with KCNQ2-related conditions. This variant is not present in population databases (gnomAD no frequency). This sequence change replaces glycine, which is neutral and non-polar, with aspartic acid, which is acidic and polar, at codon 500 of the KCNQ2 protein (p.Gly500Asp).